The following is an entry in ClinVar:

ClinVar aggregate classification (germline): Uncertain significance (1 of 4 stars; one submission).

Conditions:
Alstrom syndrome (ALMS). Identifiers: Orphanet 64, MedGen C0268425, MONDO:0008763, OMIM 203800.

Allele frequency attached by ClinVar (database versions not stated): gnomAD exomes below 0.00001.
gnomAD v4.1: 3 of 1,614,062 alleles (0.00019%); highest among the groups gnomAD compares: Non-Finnish European, 0.00025%; no homozygotes.

Submission:

Labcorp Genetics (formerly Invitae), Labcorp
Classification: Uncertain significance for Alstrom syndrome. Last evaluated: 2022-09-27. Review status: criteria provided, single submitter. Criteria: Invitae Variant Classification Sherloc (09022015). Collection method: clinical testing. Allele origin: germline.
Comment: In summary, the available evidence is currently insufficient to determine the role of this variant in disease. Therefore, it has been classified as a Variant of Uncertain Significance. Experimental studies and prediction algorithms are not available or were not evaluated, and the functional significance of this variant is currently unknown. This variant has not been reported in the literature in individuals affected with ALMS1-related conditions. This variant is not present in population databases (gnomAD no frequency). This sequence change replaces leucine, which is neutral and non-polar, with proline, which is neutral and non-polar, at codon 3190 of the ALMS1 protein (p.Leu3190Pro).

NM_001378454.1(ALMS1):c.9566T>C (p.Leu3189Pro)

Gene: ALMS1 (ALMS1 centrosome and basal body associated protein; plus strand). Cytogenetic location: 2p13.1.
Variant type: single nucleotide variant.
Coding change: c.9566T>C on transcript NM_001378454.1 (MANE Select); coding-DNA position 9566, T replaced by C.
Protein change: p.Leu3189Pro; replaces leucine 3189 with proline.
Molecular consequence: missense variant.
Genome position (GRCh38, 1-based): chr2:73,519,801, T>C. VCF-style: chr2-73519801-T-C. GRCh37 (hg19) VCF-style: chr2-73746928-T-C.
Other names: c.9569T>C, p.Leu3190Pro (NM_015120.4); short protein forms L3189P, L3190P.
Identifiers: ClinVar variation 2171893 (VCV002171893.4), dbSNP rs1572991329, ClinGen allele CA347280815.
Genomic context (GRCh38, chr2:73,519,801, plus strand): 5'-ATAATCTGCTGTATTCTTTCTCTTTTTTGGTCAGATTACCAGAGAAGATGAAGACCCCAC[T>C]TTCTGCTTTCTCTGAAAAATTGTCATCTGATGCAGTCACTCAGATAACAACAGAAAGTCC-3'
Protein context (NP_001365383.1, residues 3179-3199): DRLPEKMKTP[Leu3189Pro]SAFSEKLSSD